The following is an entry in ClinVar:

ClinVar aggregate classification (germline): Conflicting classifications of pathogenicity. Review status: criteria provided, conflicting classifications (1 of 4 stars). 2 submissions from 2 submitters: Uncertain significance (1); Likely benign (1). Last evaluated 2026-01-16.

Conditions:
Hereditary cancer-predisposing syndrome. Also called: Neoplastic Syndromes, Hereditary; Hereditary Cancer Syndrome; Tumor predisposition; Hereditary neoplastic syndrome. Identifiers: Orphanet 140162, MedGen C0027672, MeSH D009386, MONDO:0015356.
Gorlin syndrome. Also called: Basal cell nevus syndrome; Nevoid Basal Cell Carcinoma Syndrome. Identifiers: Orphanet 377, MedGen C0004779, MONDO:0007187.

Allele frequency attached by ClinVar (database versions not stated): gnomAD exomes below 0.00001 and 0.00001; TOPMed 0.00003.

Submissions (2):

Labcorp Genetics (formerly Invitae), Labcorp
Classification: Likely benign for Gorlin syndrome. Last evaluated: 2026-01-16. Review status: criteria provided, single submitter. Criteria: Invitae Variant Classification Sherloc (09022015). Collection method: clinical testing. Allele origin: germline.

Ambry Genetics
Classification: Uncertain significance for Hereditary cancer-predisposing syndrome. Last evaluated: 2025-06-05. Review status: criteria provided, single submitter. Criteria: Ambry Variant Classification Scheme 2023. Collection method: clinical testing. Allele origin: germline.
Comment: The p.G99C variant (also known as c.295G>T), located in coding exon 2 of the PTCH1 gene, results from a G to T substitution at nucleotide position 295. The glycine at codon 99 is replaced by cysteine, an amino acid with highly dissimilar properties. This amino acid position is highly conserved in available vertebrate species. In addition, this alteration is predicted to be deleterious by in silico analysis. Based on the available evidence, the clinical significance of this variant remains unclear.

NM_000264.5(PTCH1):c.295G>T (p.Gly99Cys)

Gene: PTCH1 (patched 1; minus strand). Cytogenetic location: 9q22.32.
Variant type: single nucleotide variant.
Coding change: c.295G>T on transcript NM_000264.5 (MANE Select); coding-DNA position 295, G replaced by T.
Protein change: p.Gly99Cys; replaces glycine 99 with cysteine.
Molecular consequence: missense variant. On other transcripts: 5 prime UTR variant (4), non-coding transcript variant (1).
Genome position (GRCh38, 1-based): chr9:95,506,506, C>A on the plus strand (G>T on the coding strand, the complement: PTCH1 is on the minus strand). VCF-style: chr9-95506506-C-A. GRCh37 (hg19) VCF-style: chr9-98268788-C-A.
Other names: c.97G>T, p.Gly33Cys (NM_001083602.3, NM_001354919.2); c.292G>T, p.Gly98Cys (NM_001083603.3); c.-159G>T (NM_001083604.3, NM_001083605.3, NM_001083606.3 and 1 more transcripts); c.295G>T, p.Gly99Cys (NM_001354918.2); short protein forms G33C, G99C, G98C.
Identifiers: ClinVar variation 583172 (VCV000583172.16), dbSNP rs1036074195, ClinGen allele CA196553325.